The following is an entry in ClinVar:

ClinVar aggregate classification (germline): Uncertain significance (1 of 4 stars; one submission).

Conditions:
POLD1-related polyposis and colorectal cancer syndrome (CRCS10). Also called: Colorectal cancer 10; COLORECTAL CANCER, SUSCEPTIBILITY TO, ON CHROMOSOME 19q; Colorectal cancer, susceptibility to, 10. Identifiers: Orphanet 220460, MedGen C2675481, MONDO:0012953, OMIM 612591.

Submission:

Labcorp Genetics (formerly Invitae), Labcorp
Classification: Uncertain significance for POLD1-related polyposis and colorectal cancer syndrome. Last evaluated: 2020-02-06. Review status: criteria provided, single submitter. Criteria: Invitae Variant Classification Sherloc (09022015). Collection method: clinical testing. Allele origin: germline.
Comment: In summary, the available evidence is currently insufficient to determine the role of this variant in disease. Therefore, it has been classified as a Variant of Uncertain Significance. Algorithms developed to predict the effect of missense changes on protein structure and function (SIFT, PolyPhen-2, Align-GVGD) all suggest that this variant is likely to be disruptive, but these predictions have not been confirmed by published functional studies and their clinical significance is uncertain. This variant has not been reported in the literature in individuals with POLD1-related conditions. This variant is not present in population databases (ExAC no frequency). This sequence change replaces valine with alanine at codon 700 of the POLD1 protein (p.Val700Ala). The valine residue is highly conserved and there is a small physicochemical difference between valine and alanine.

NM_002691.4(POLD1):c.2099T>C (p.Val700Ala)

Gene: POLD1 (DNA polymerase delta 1, catalytic subunit; plus strand). Cytogenetic location: 19q13.33.
Variant type: single nucleotide variant.
Coding change: c.2099T>C on transcript NM_002691.4 (MANE Select); coding-DNA position 2099, T replaced by C.
Protein change: p.Val700Ala; replaces valine 700 with alanine.
Molecular consequence: missense variant. On other transcripts: non-coding transcript variant (1).
Genome position (GRCh38, 1-based): chr19:50,409,611, T>C. VCF-style: chr19-50409611-T-C. GRCh37 (hg19) VCF-style: chr19-50912868-T-C.
Other names: c.2099T>C, p.Val700Ala (NM_001256849.1); c.2177T>C, p.Val726Ala (NM_001308632.1); short protein forms V700A, V726A.
Identifiers: ClinVar variation 1021476 (VCV001021476.9), dbSNP rs2039022977, ClinGen allele CA406982621.
Genomic context (GRCh38, chr19:50,409,611, plus strand): 5'-CCCTCCGGCGCCAGGTCCTGGATGGACGGCAGCTGGCGCTGAAGGTGAGCGCCAACTCCG[T>C]ATACGGCTTCACTGGCGCCCAGGTGGGCAAGTTGCCGTGCCTGGAGATCTCACAGGTGGG-3'
Protein context (NP_002682.2, residues 690-710): QLALKVSANS[Val700Ala]YGFTGAQVGK